The following is an entry in ClinVar:

NM_000052.7(ATP7A):c.4019A>T (p.Asp1340Val)

Gene: ATP7A (ATPase copper transporting alpha; plus strand). Cytogenetic location: Xq21.1.
Variant type: single nucleotide variant.
Coding change: c.4019A>T on transcript NM_000052.7 (MANE Select); coding-DNA position 4019, A replaced by T.
Protein change: p.Asp1340Val; replaces aspartic acid 1340 with valine.
Molecular consequence: missense variant. On other transcripts: non-coding transcript variant (1).
Genome position (GRCh38, 1-based): chrX:78,043,330, A>T. VCF-style: chrX-78043330-A-T. GRCh37 (hg19) VCF-style: chrX-77298828-A-T.
Other names: c.3785A>T, p.Asp1262Val (NM_001282224.2); short protein forms D1262V, D1340V.
Identifiers: ClinVar variation 4793816 (VCV004793816.1).

ClinVar aggregate classification (germline): Uncertain significance (1 of 4 stars; one submission).

Conditions:
Menkes kinky-hair syndrome (MNK). Also called: Classic Menkes Disease; Copper transport disease; Menkes Disease. Identifiers: Orphanet 565, MedGen C0022716, MONDO:0010651, OMIM 309400.
Cutis laxa, X-linked (OHS). Also called: EDS IX; Occipital horn syndrome. Identifiers: Orphanet 198, MedGen C0268353, MONDO:0010572, OMIM 304150.
X-linked distal spinal muscular atrophy type 3. Also called: ATP7A-Related Distal Motor Neuropathy; SPINAL MUSCULAR ATROPHY, DISTAL, X-LINKED RECESSIVE; NEURONOPATHY, DISTAL HEREDITARY MOTOR, X-LINKED; NEUROPATHY, DISTAL HEREDITARY MOTOR, X-LINKED. Identifiers: Orphanet 139557, MedGen C1845359, MONDO:0010338, OMIM 300489.

Submission:

Labcorp Genetics (formerly Invitae), Labcorp
Classification: Uncertain significance for X-linked distal spinal muscular atrophy type 3; Cutis laxa, X-linked; Menkes kinky-hair syndrome. Last evaluated: 2025-12-30. Review status: criteria provided, single submitter. Criteria: Invitae Variant Classification Sherloc (09022015). Collection method: clinical testing. Allele origin: germline.
Comment: This sequence change replaces aspartic acid, which is acidic and polar, with valine, which is neutral and non-polar, at codon 1340 of the ATP7A protein (p.Asp1340Val). This variant is not present in population databases (gnomAD no frequency). This variant has not been reported in the literature in individuals affected with ATP7A-related conditions. Invitae Evidence Modeling of protein sequence and biophysical properties (such as structural, functional, and spatial information, amino acid conservation, physicochemical variation, residue mobility, and thermodynamic stability) indicates that this missense variant is expected to disrupt ATP7A protein function with a positive predictive value of 95%. In summary, the available evidence is currently insufficient to determine the role of this variant in disease. Therefore, it has been classified as a Variant of Uncertain Significance.